The following is an entry in ClinVar:

NM_001195553.2(DCX):c.190T>G (p.Tyr64Asp)

Gene: DCX (doublecortin; minus strand). Cytogenetic location: Xq23.
Variant type: single nucleotide variant.
Coding change: c.190T>G on transcript NM_001195553.2 (MANE Select); coding-DNA position 190, T replaced by G.
Protein change: p.Tyr64Asp; replaces tyrosine 64 with aspartic acid.
Molecular consequence: missense variant.
Genome position (GRCh38, 1-based): chrX:111,410,209, A>C on the plus strand (T>G on the coding strand, the complement: DCX is on the minus strand). VCF-style: chrX-111410209-A-C. GRCh37 (hg19) VCF-style: chrX-110653437-A-C.
Other names: c.433T>G, p.Tyr145Asp (NM_000555.3); c.190T>G, p.Tyr64Asp (NM_001369370.1, NM_001369371.1, NM_001369372.1 and 6 more transcripts); short protein forms Y145D, Y64D.
Identifiers: ClinVar variation 2811793 (VCV002811793.3), dbSNP rs1556405129, ClinGen allele CA414246918.

ClinVar aggregate classification (germline): Pathogenic (1 of 4 stars; one submission).

Submission:

Labcorp Genetics (formerly Invitae), Labcorp
Classification: Pathogenic. Last evaluated: 2023-04-03. Review status: criteria provided, single submitter. Criteria: Invitae Variant Classification Sherloc (09022015). Collection method: clinical testing. Allele origin: germline.
Comment: This sequence change replaces tyrosine, which is neutral and polar, with aspartic acid, which is acidic and polar, at codon 64 of the DCX protein (p.Tyr64Asp). This variant is not present in population databases (gnomAD no frequency). This missense change has been observed in individual(s) with lissencephaly (Invitae). In at least one individual the variant was observed to be de novo. Advanced modeling of protein sequence and biophysical properties (such as structural, functional, and spatial information, amino acid conservation, physicochemical variation, residue mobility, and thermodynamic stability) performed at Invitae indicates that this missense variant is expected to disrupt DCX protein function. This variant disrupts the p.Tyr64 amino acid residue in DCX. Other variant(s) that disrupt this residue have been observed in individuals with DCX-related conditions (PMID: 18685874, 29706646; Invitae), which suggests that this may be a clinically significant amino acid residue. For these reasons, this variant has been classified as Pathogenic.

Literature cited by the submitters: PubMed 18685874; PubMed 29706646.